The following is an entry in ClinVar:

ClinVar aggregate classification (germline): Uncertain significance. Review status: criteria provided, multiple submitters, no conflicts (2 of 4 stars). 2 submissions from 2 submitters: Uncertain significance (2). Last evaluated 2026-07-01.

Conditions:
Hereditary cancer-predisposing syndrome. Also called: Hereditary Cancer Syndrome; Hereditary neoplastic syndrome; Neoplastic Syndromes, Hereditary; Tumor predisposition. Identifiers: Orphanet 140162, MedGen C0027672, MeSH D009386, MONDO:0015356.
Ataxia-telangiectasia syndrome (AT). Also called: LOUIS-BAR SYNDROME; Cerebello-oculocutaneous telangiectasia; Immunodeficiency with ataxia telangiectasia; Ataxia-telangiectasia, complementation group E; Ataxia-telangiectasia, complementation group D; Ataxia telangiectasia (A-T). Identifiers: Orphanet 100, MedGen C0004135, MONDO:0008840, OMIM 208900.

Submissions (2):

Ambry Genetics
Classification: Uncertain significance for Hereditary cancer-predisposing syndrome. Last evaluated: 2026-07-01. Review status: criteria provided, single submitter. Criteria: Ambry Variant Classification Scheme 2023. Collection method: clinical testing. Allele origin: germline.
Comment: The p.E888K variant (also known as c.2662G>A), located in coding exon 17 of the ATM gene, results from a G to A substitution at nucleotide position 2662. The glutamic acid at codon 888 is replaced by lysine, an amino acid with similar properties. This amino acid position is conserved. In addition, the in silico prediction for this alteration is inconclusive. Since supporting evidence is limited at this time, the clinical significance of this alteration remains unclear.

Labcorp Genetics (formerly Invitae), Labcorp
Classification: Uncertain significance for Ataxia-telangiectasia syndrome. Last evaluated: 2023-05-04. Review status: criteria provided, single submitter. Criteria: Invitae Variant Classification Sherloc (09022015). Collection method: clinical testing. Allele origin: germline.
Comment: This variant is not present in population databases (gnomAD no frequency). In summary, the available evidence is currently insufficient to determine the role of this variant in disease. Therefore, it has been classified as a Variant of Uncertain Significance. Studies have shown that this missense change is associated with altered splicing resulting in multiple RNA products (Invitae). An algorithm developed to predict the effect of missense changes on protein structure and function (PolyPhen-2) suggests that this variant is likely to be tolerated. ClinVar contains an entry for this variant (Variation ID: 1794467). This variant has not been reported in the literature in individuals affected with ATM-related conditions. This sequence change replaces glutamic acid, which is acidic and polar, with lysine, which is basic and polar, at codon 888 of the ATM protein (p.Glu888Lys).

NM_000051.4(ATM):c.2662G>A (p.Glu888Lys)

Gene: ATM (ATM serine/threonine kinase; plus strand). Cytogenetic location: 11q22.3.
Variant type: single nucleotide variant.
Coding change: c.2662G>A on transcript NM_000051.4 (MANE Select); coding-DNA position 2662, G replaced by A.
Protein change: p.Glu888Lys; replaces glutamic acid 888 with lysine.
Molecular consequence: missense variant.
Genome position (GRCh38, 1-based): chr11:108,268,433, G>A. VCF-style: chr11-108268433-G-A. GRCh37 (hg19) VCF-style: chr11-108139160-G-A.
Other names: c.2662G>A, p.Glu888Lys (NM_001351834.2); short protein forms E888K.
Identifiers: ClinVar variation 1794467 (VCV001794467.6), dbSNP rs879254083, ClinGen allele CA382545064.
Genomic context (GRCh38, chr11:108,268,433, plus strand): 5'-CCTTCTCTTAGTGTTAATGAGTGCTTTTTATTTTTAGGTGCCATTAATCCTTTAGCTGAA[G>A]AATATCTGTCAAAGCAAGATCTACTTTTCTTAGACATGCTCAAGTTCTTGTGTTTGTGTG-3'
Protein context (NP_000042.3, residues 878-898): TIGAINPLAE[Glu888Lys]YLSKQDLLFL